The following is an entry in ClinVar:

ClinVar aggregate classification (germline): Uncertain significance (1 of 4 stars; one submission).

Conditions:
Autoimmune interstitial lung disease-arthritis syndrome. Also called: Autoinflammation and autoimmunity, systemic, with immune dysregulation. Identifiers: Orphanet 444092, MedGen C5975714, MONDO:0014629.

Submission:

Labcorp Genetics (formerly Invitae), Labcorp
Classification: Uncertain significance for Autoimmune interstitial lung disease-arthritis syndrome. Last evaluated: 2024-03-07. Review status: criteria provided, single submitter. Criteria: Invitae Variant Classification Sherloc (09022015). Collection method: clinical testing. Allele origin: germline.
Comment: This sequence change replaces glycine, which is neutral and non-polar, with arginine, which is basic and polar, at codon 897 of the COPA protein (p.Gly897Arg). This variant is not present in population databases (gnomAD no frequency). This variant has not been reported in the literature in individuals affected with COPA-related conditions. Advanced modeling of protein sequence and biophysical properties (such as structural, functional, and spatial information, amino acid conservation, physicochemical variation, residue mobility, and thermodynamic stability) performed at Invitae indicates that this missense variant is not expected to disrupt COPA protein function with a negative predictive value of 95%. In summary, the available evidence is currently insufficient to determine the role of this variant in disease. Therefore, it has been classified as a Variant of Uncertain Significance.

NM_004371.4(COPA):c.2689G>A (p.Gly897Arg)

Gene: COPA (coat protein complex I subunit alpha; minus strand). Cytogenetic location: 1q23.2.
Variant type: single nucleotide variant.
Coding change: c.2689G>A on transcript NM_004371.4 (MANE Select); coding-DNA position 2689, G replaced by A.
Protein change: p.Gly897Arg; replaces glycine 897 with arginine.
Molecular consequence: missense variant.
Genome position (GRCh38, 1-based): chr1:160,293,451, C>T on the plus strand (G>A on the coding strand, the complement: COPA is on the minus strand). VCF-style: chr1-160293451-C-T. GRCh37 (hg19) VCF-style: chr1-160263241-C-T.
Other names: c.2716G>A, p.Gly906Arg (NM_001098398.2); short protein forms G897R, G906R.
Identifiers: ClinVar variation 3633649 (VCV003633649.2).
Genomic context (GRCh38, chr1:160,293,451, plus strand): 5'-TTGGACTTGTTCCCTTGGTTGGGGGCACAAAGAAACCATCTTCAGCCCCACCAGCTGCCC[C>T]AGGGGATATATCCTAGGGGAAAAACAAAAATTGAGTATTGAGTAATTTTTTTTTTTTTTT-3'
Protein context (NP_004362.2, residues 887-907): ELPPELDISP[Gly897Arg]AAGGAEDGFF